The following is an entry in ClinVar:

ClinVar aggregate classification (germline): Likely benign. Review status: criteria provided, multiple submitters, no conflicts (2 of 4 stars). 6 submissions from 6 submitters: Likely benign (6). Last evaluated 2025-11-03.

Conditions:
Cardiovascular phenotype. Identifiers: MedGen CN230736.
Cardiomyopathy (CMYO). Also called: Cardiomyopathies. Identifiers: Orphanet 167848, MedGen C0878544, MONDO:0004994, HP:0001638. Inheritance: Various modes of inheritance.
Hypertrophic cardiomyopathy. Also called: HYPERTROPHIC MYOCARDIOPATHY. Identifiers: Orphanet 217569, MedGen C0007194, MeSH D002312, MONDO:0005045, HP:0001639.

Allele frequency attached by ClinVar (database versions not stated): gnomAD 0.00001; TOPMed 0.00001.

Submissions (6):

Labcorp Genetics (formerly Invitae), Labcorp
Classification: Likely benign for Hypertrophic cardiomyopathy. Last evaluated: 2025-11-03. Review status: criteria provided, single submitter. Criteria: Invitae Variant Classification Sherloc (09022015). Collection method: clinical testing. Allele origin: germline.

All of Us Research Program, National Institutes of Health
Classification: Likely benign for Hypertrophic cardiomyopathy. Last evaluated: 2023-12-13. Review status: criteria provided, single submitter. Criteria: ACMG Guidelines, 2015. Collection method: clinical testing. Allele origin: germline. Inheritance: Autosomal dominant inheritance. Observed: 6 variant alleles, 6 heterozygotes.
Comment: This study involves interpretation of variants in research participants for the purpose of population health screening. Participant phenotype was not available at the time of variant classification. Additional details can be found in publication PMID: 35346344, PMCID: PMC8962531

Ambry Genetics
Classification: Likely benign for Cardiovascular phenotype. Last evaluated: 2023-07-15. Review status: criteria provided, single submitter. Criteria: Ambry Variant Classification Scheme 2023. Collection method: clinical testing. Allele origin: germline.

Blueprint Genetics
Classification: Likely benign. Last evaluated: 2020-03-27. Review status: criteria provided, single submitter. Criteria: ACMG Guidelines, 2015. Collection method: clinical testing. Allele origin: germline.

Color Diagnostics, LLC DBA Color Health
Classification: Likely benign for Cardiomyopathy. Last evaluated: 2018-10-30. Review status: criteria provided, single submitter. Criteria: ACMG Guidelines, 2015. Collection method: clinical testing. Allele origin: germline.

Laboratory for Molecular Medicine, Mass General Brigham Personalized Medicine
Classification: Likely benign. Last evaluated: 2011-06-16. Review status: criteria provided, single submitter. Criteria: LMM Criteria. Collection method: clinical testing. Allele origin: germline. Observed: 1 variant allele.
Comment: Leu228Leu in exon 7 of TPM1: This variant is not expected to have clinical sign ificance because it does not alter an amino acid residue and is not located near a splice junction.

NM_001018005.2(TPM1):c.684T>C (p.Leu228=)

Gene: TPM1 (tropomyosin 1; plus strand). Cytogenetic location: 15q22.2.
Variant type: single nucleotide variant.
Coding change: c.684T>C on transcript NM_001018005.2 (MANE Select); coding-DNA position 684, T replaced by C.
Protein change: p.Leu228=; no amino-acid change (leucine 228 retained).
Molecular consequence: synonymous variant.
Genome position (GRCh38, 1-based): chr15:63,062,259, T>C. VCF-style: chr15-63062259-T-C. GRCh37 (hg19) VCF-style: chr15-63354458-T-C.
Other names: c.684T>C, p.Leu228= (NM_000366.6, NM_001018004.2, NM_001018006.2 and 6 more transcripts); c.576T>C, p.Leu192= (NM_001018008.2, NM_001301289.2, NM_001330344.2 and 5 more transcripts); c.810T>C, p.Leu270= (NM_001365778.1).
Identifiers: ClinVar variation 43434 (VCV000043434.20), dbSNP rs397516384, ClinGen allele CA018274.